The following is an entry in ClinVar:

ClinVar aggregate classification (germline): Benign/Likely benign. Review status: criteria provided, multiple submitters, no conflicts (2 of 4 stars). 7 submissions from 7 submitters: Benign (2); Likely benign (5). Last evaluated 2026-01-26.

Conditions:
CAV3-related disorder. Also called: CAV3-related condition.
Cardiovascular phenotype. Identifiers: MedGen CN230736.
Long QT syndrome (LQTS). Identifiers: MedGen C0023976, MeSH D008133, MONDO:0002442. Disease mechanism: loss of function. Inheritance: Various modes of inheritance.

Allele frequency attached by ClinVar (database versions not stated): gnomAD 0.00006 and 0.00009; TOPMed 0.00008; ExAC 0.00009; gnomAD exomes 0.00016; 1000 Genomes Project 0.00040; 1000 Genomes Project 30x 0.00047.
gnomAD v4.1: 108 of 1,613,270 alleles (0.0067%); highest among the groups gnomAD compares: East Asian, 0.14%; no homozygotes.

Submissions (7):

Labcorp Genetics (formerly Invitae), Labcorp
Classification: Likely benign for Long QT syndrome. Last evaluated: 2026-01-26. Review status: criteria provided, single submitter. Criteria: Invitae Variant Classification Sherloc (09022015). Collection method: clinical testing. Allele origin: germline.

PreventionGenetics, part of Exact Sciences
Classification: Likely benign for CAV3-related condition. Last evaluated: 2025-10-28. Review status: criteria provided, single submitter. Criteria: ACMG Guidelines, 2015. Collection method: clinical testing. Allele origin: germline.
Comment: This variant is classified as likely benign based on ACMG/AMP sequence variant interpretation guidelines (Richards et al. 2015 PMID: 25741868, with internal and published modifications).

Women's Health and Genetics/Laboratory Corporation of America, LabCorp
Classification: Benign. Last evaluated: 2023-11-06. Review status: criteria provided, single submitter. Criteria: LabCorp Variant Classification Summary - May 2015. Collection method: clinical testing. Allele origin: germline.

Ambry Genetics
Classification: Likely benign for Cardiovascular phenotype. Last evaluated: 2022-03-03. Review status: criteria provided, single submitter. Criteria: Ambry Variant Classification Scheme 2023. Collection method: clinical testing. Allele origin: germline.

GeneDx
Classification: Benign. Last evaluated: 2021-01-28. Review status: criteria provided, single submitter. Criteria: GeneDx Variant Classification Process June 2021. Collection method: clinical testing. Allele origin: germline. Affected: yes.
Comment: This variant is associated with the following publications: (PMID: 33297573)

Eurofins Ntd Llc (ga)
Classification: Likely benign. Last evaluated: 2016-06-03. Review status: criteria provided, single submitter. Criteria: EGL Classification Definitions 2015. Collection method: clinical testing. Allele origin: germline. Observed: 1 variant allele, 1 heterozygote.

Laboratory for Molecular Medicine, Mass General Brigham Personalized Medicine
Classification: Likely benign. Last evaluated: 2013-10-14. Review status: criteria provided, single submitter. Criteria: LMM Criteria. Collection method: clinical testing. Allele origin: germline. Observed: 1 variant allele.
Comment: Ile13Ile in exon 1 of CAV3: This variant is not expected to have clinical signif icance because it does not alter an amino acid residue and is not located within the splice consensus sequence. It has been identified in 1.0% (2/200) of southe rn Han Chinese chromosomes by the 1000 Genomes Project (dbSNP rs200562715). Ile 13Ile in exon 1 of CAV3 (rs200562715; allele frequency = 1.0%, 2/200)

NM_033337.3(CAV3):c.39C>T (p.Ile13=)

Gene: CAV3 (caveolin 3; plus strand). Cytogenetic location: 3p25.3.
Variant type: single nucleotide variant.
Coding change: c.39C>T on transcript NM_033337.3 (MANE Select); coding-DNA position 39, C replaced by T.
Protein change: p.Ile13=; no amino-acid change (isoleucine 13 retained).
Molecular consequence: synonymous variant.
Genome position (GRCh38, 1-based): chr3:8,733,915, C>T. VCF-style: chr3-8733915-C-T. GRCh37 (hg19) VCF-style: chr3-8775601-C-T.
Other names: c.39C>T, p.Ile13= (NM_001234.5).
Identifiers: ClinVar variation 179005 (VCV000179005.23), dbSNP rs200562715, ClinGen allele CA183476.